The following is an entry in ClinVar:

NM_001330260.2(SCN8A):c.2564C>G (p.Ala855Gly)

Gene: SCN8A (sodium voltage-gated channel alpha subunit 8; plus strand). Cytogenetic location: 12q13.13.
Variant type: single nucleotide variant.
Coding change: c.2564C>G on transcript NM_001330260.2 (MANE Select); coding-DNA position 2564, C replaced by G.
Protein change: p.Ala855Gly; replaces alanine 855 with glycine.
Molecular consequence: missense variant.
Genome position (GRCh38, 1-based): chr12:51,765,690, C>G. VCF-style: chr12-51765690-C-G. GRCh37 (hg19) VCF-style: chr12-52159474-C-G.
Other names: c.2564C>G, p.Ala855Gly (NM_001177984.3, NM_001369788.1, NM_014191.4); short protein forms A855G.
Identifiers: ClinVar variation 1495214 (VCV001495214.9), dbSNP rs2138862590, ClinGen allele CA384886703.
Genomic context (GRCh38, chr12:51,765,690, plus strand): 5'-AGTATCATTTATTTTTTTGTTTGGGTTTTTTTTTTCCTTAGCTCCGAGTCTTCAAATTGG[C>G]CAAATCCTGGCCCACCCTGAACATGCTAATCAAGATTATTGGAAATTCAGTGGGTGCCCT-3'
Protein context (NP_001317189.1, residues 845-865): SFRLLRVFKL[Ala855Gly]KSWPTLNMLI

ClinVar aggregate classification (germline): Uncertain significance (1 of 4 stars; one submission).

Conditions:
Early-infantile DEE. Also called: Ohtahara syndrome; Early infantile epileptic encephalopathy; Early infantile epileptic encephalopathy with suppression bursts. Identifiers: Orphanet 1934, MedGen C0393706, MONDO:0800491.

Submission:

Labcorp Genetics (formerly Invitae), Labcorp
Classification: Uncertain significance for Early-infantile DEE. Last evaluated: 2021-01-28. Review status: criteria provided, single submitter. Criteria: Invitae Variant Classification Sherloc (09022015). Collection method: clinical testing. Allele origin: germline.
Comment: This sequence change replaces alanine with glycine at codon 855 of the SCN8A protein (p.Ala855Gly). The alanine residue is highly conserved and there is a small physicochemical difference between alanine and glycine. This variant is not present in population databases (ExAC no frequency). This variant has not been reported in the literature in individuals with SCN8A-related conditions. Algorithms developed to predict the effect of missense changes on protein structure and function are either unavailable or do not agree on the potential impact of this missense change (SIFT: "Deleterious"; PolyPhen-2: "Probably Damaging"; Align-GVGD: "Class C0"). In summary, the available evidence is currently insufficient to determine the role of this variant in disease. Therefore, it has been classified as a Variant of Uncertain Significance.